The following is an entry in ClinVar:

ClinVar aggregate classification (germline): Uncertain significance (1 of 4 stars; one submission).

Submission:

Ambry Genetics
Classification: Uncertain significance. Last evaluated: 2025-02-13. Review status: criteria provided, single submitter. Criteria: Ambry Variant Classification Scheme 2023. Collection method: clinical testing. Allele origin: germline.
Comment: The p.Q1617R variant (also known as c.4850A>G), located in coding exon 19 of the WNK2 gene, results from an A to G substitution at nucleotide position 4850. The glutamine at codon 1617 is replaced by arginine, an amino acid with highly similar properties. This amino acid position is conserved. In addition, this alteration is predicted to be tolerated by in silico analysis. Based on the available evidence, the clinical significance of this variant remains unclear.

NM_006648.4(WNK2):c.4850A>G (p.Gln1617Arg)

Gene: WNK2 (WNK lysine deficient protein kinase 2; plus strand). Cytogenetic location: 9q22.31.
Variant type: single nucleotide variant.
Coding change: c.4850A>G on transcript NM_006648.4 (MANE Select); coding-DNA position 4850, A replaced by G.
Protein change: p.Gln1617Arg; replaces glutamine 1617 with arginine.
Molecular consequence: missense variant.
Genome position (GRCh38, 1-based): chr9:93,289,604, A>G. VCF-style: chr9-93289604-A-G. GRCh37 (hg19) VCF-style: chr9-96051886-A-G.
Other names: c.4961A>G, p.Gln1654Arg (NM_001282394.3); short protein forms Q1654R, Q1617R.
Identifiers: ClinVar variation 3817070 (VCV003817070.1).
Genomic context (GRCh38, chr9:93,289,604, plus strand): 5'-TCTGCGGGGGGGACCTGGCCCTGCCCCCAGTGCCTAAGGAGGCGGTCTCAGGGCGTGTCC[A>G]GCTGCCCCAGCCCTTGGTGAGTAGCTGCCTTGTCCCAGAGACACTGCCCTGGGTCAGGGG-3'
Protein context (NP_006639.3, residues 1607-1627): VPKEAVSGRV[Gln1617Arg]LPQPLVEKSE